The following is an entry in ClinVar:

NM_000632.4(ITGAM):c.2629G>A (p.Val877Ile)

Gene: ITGAM (integrin subunit alpha M; plus strand). Cytogenetic location: 16p11.2.
Variant type: single nucleotide variant.
Coding change: c.2629G>A on transcript NM_000632.4 (MANE Select); coding-DNA position 2629, G replaced by A.
Protein change: p.Val877Ile; replaces valine 877 with isoleucine.
Molecular consequence: missense variant.
Genome position (GRCh38, 1-based): chr16:31,326,856, G>A. VCF-style: chr16-31326856-G-A. GRCh37 (hg19) VCF-style: chr16-31338177-G-A.
Other names: c.2632G>A, p.Val878Ile (NM_001145808.2); short protein forms V877I, V878I.
Identifiers: ClinVar variation 3606314 (VCV003606314.2).

ClinVar aggregate classification (germline): Uncertain significance (1 of 4 stars; one submission).

gnomAD v4.1: 1 of 1,607,044 alleles (0.000062%); highest among the groups gnomAD compares: Non-Finnish European, 0.000085%; no homozygotes.

Submission:

Labcorp Genetics (formerly Invitae), Labcorp
Classification: Uncertain significance. Last evaluated: 2025-01-29. Review status: criteria provided, single submitter. Criteria: Invitae Variant Classification Sherloc (09022015). Collection method: clinical testing. Allele origin: germline.
Comment: This sequence change replaces valine, which is neutral and non-polar, with isoleucine, which is neutral and non-polar, at codon 877 of the ITGAM protein (p.Val877Ile). This variant is not present in population databases (gnomAD no frequency). This variant has not been reported in the literature in individuals affected with ITGAM-related conditions. An algorithm developed to predict the effect of missense changes on protein structure and function outputs the following: PolyPhen-2: "Benign". The isoleucine amino acid residue is found in multiple mammalian species, which suggests that this missense change does not adversely affect protein function. Algorithms developed to predict the effect of sequence changes on RNA splicing suggest that this variant may disrupt the consensus splice site. In summary, the available evidence is currently insufficient to determine the role of this variant in disease. Therefore, it has been classified as a Variant of Uncertain Significance.